The following is an entry in ClinVar:

NM_000257.4(MYH7):c.2725A>G (p.Ile909Val)

Gene: MYH7 (myosin heavy chain 7; minus strand). Cytogenetic location: 14q11.2.
Variant type: single nucleotide variant.
Coding change: c.2725A>G on transcript NM_000257.4 (MANE Select); coding-DNA position 2725, A replaced by G.
Protein change: p.Ile909Val; replaces isoleucine 909 with valine.
Molecular consequence: missense variant.
Genome position (GRCh38, 1-based): chr14:23,424,104, T>C on the plus strand (A>G on the coding strand, the complement: MYH7 is on the minus strand). VCF-style: chr14-23424104-T-C. GRCh37 (hg19) VCF-style: chr14-23893313-T-C.
Other names: short protein forms I909V.
Identifiers: ClinVar variation 42929 (VCV000042929.6), dbSNP rs397516168, ClinGen allele CA012966.

ClinVar aggregate classification (germline): Uncertain significance (1 of 4 stars; one submission).

Submission:

Laboratory for Molecular Medicine, Mass General Brigham Personalized Medicine
Classification: Uncertain significance. Last evaluated: 2019-01-23. Review status: criteria provided, single submitter. Criteria: LMM Criteria. Collection method: clinical testing. Allele origin: germline. Observed: 1 variant allele.
Comment: proposed classification - variant undergoing re-assessment, contact laboratory

Literature cited by the submitters: PubMed 27532257; PubMed 12975413.